The following is an entry in ClinVar:

NM_003072.5(SMARCA4):c.1881C>G (p.Ile627Met)

Gene: SMARCA4 (SWI/SNF related BAF chromatin remodeling complex subunit ATPase 4; plus strand). Cytogenetic location: 19p13.2.
Variant type: single nucleotide variant.
Coding change: c.1881C>G on transcript NM_003072.5 (MANE Select); coding-DNA position 1881, C replaced by G.
Protein change: p.Ile627Met; replaces isoleucine 627 with methionine.
Molecular consequence: missense variant. On other transcripts: non-coding transcript variant (1).
Genome position (GRCh38, 1-based): chr19:11,003,097, C>G. VCF-style: chr19-11003097-C-G. GRCh37 (hg19) VCF-style: chr19-11113773-C-G.
Other names: c.1881C>G, p.Ile627Met (NM_001128844.3, NM_001128845.2, NM_001128846.2 and 4 more transcripts); short protein forms I627M.
Identifiers: ClinVar variation 841266 (VCV000841266.12), dbSNP rs1451914629, ClinGen allele CA404051576.

ClinVar aggregate classification (germline): Uncertain significance. Review status: criteria provided, multiple submitters, no conflicts (2 of 4 stars). 3 submissions from 3 submitters: Uncertain significance (3). Last evaluated 2025-08-19.

Conditions:
Rhabdoid tumor predisposition syndrome 2 (RTPS2). Identifiers: Orphanet 231108, Orphanet 69077, MedGen C2750074, MONDO:0013224, OMIM 613325.
Hereditary cancer-predisposing syndrome. Also called: Hereditary Cancer Syndrome; Hereditary neoplastic syndrome; Tumor predisposition; Neoplastic Syndromes, Hereditary. Identifiers: Orphanet 140162, MedGen C0027672, MeSH D009386, MONDO:0015356.

Submissions (3):

GeneDx
Classification: Uncertain significance. Last evaluated: 2025-08-19. Review status: criteria provided, single submitter. Criteria: GeneDx Variant Classification Process June 2021. Collection method: clinical testing. Allele origin: germline.
Comment: Not observed at significant frequency in large population cohorts (gnomAD); In silico analysis suggests that this missense variant does not alter protein structure/function; Has not been previously published as pathogenic or benign to our knowledge; This variant is associated with the following publications: (PMID: 24658002)

Labcorp Genetics (formerly Invitae), Labcorp
Classification: Uncertain significance for Rhabdoid tumor predisposition syndrome 2. Last evaluated: 2025-07-07. Review status: criteria provided, single submitter. Criteria: Invitae Variant Classification Sherloc (09022015). Collection method: clinical testing. Allele origin: germline.
Comment: This sequence change replaces isoleucine, which is neutral and non-polar, with methionine, which is neutral and non-polar, at codon 627 of the SMARCA4 protein (p.Ile627Met). This variant is not present in population databases (gnomAD no frequency). This variant has not been reported in the literature in individuals affected with SMARCA4-related conditions. ClinVar contains an entry for this variant (Variation ID: 841266). Invitae Evidence Modeling of protein sequence and biophysical properties (such as structural, functional, and spatial information, amino acid conservation, physicochemical variation, residue mobility, and thermodynamic stability) indicates that this missense variant is not expected to disrupt SMARCA4 protein function with a negative predictive value of 80%. In summary, the available evidence is currently insufficient to determine the role of this variant in disease. Therefore, it has been classified as a Variant of Uncertain Significance.

Ambry Genetics
Classification: Uncertain significance for Hereditary cancer-predisposing syndrome. Last evaluated: 2024-05-15. Review status: criteria provided, single submitter. Criteria: Ambry Variant Classification Scheme 2023. Collection method: clinical testing. Allele origin: germline.
Comment: The p.I627M variant (also known as c.1881C>G), located in coding exon 11 of the SMARCA4 gene, results from a C to G substitution at nucleotide position 1881. The isoleucine at codon 627 is replaced by methionine, an amino acid with highly similar properties. This amino acid position is conserved. In addition, this alteration is predicted to be tolerated by in silico analysis. Based on the available evidence, the clinical significance of this variant remains unclear.